The following is an entry in ClinVar:

ClinVar aggregate classification (germline): Conflicting classifications of pathogenicity. Review status: criteria provided, conflicting classifications (1 of 4 stars). 15 submissions from 15 submitters: Likely pathogenic (1); Uncertain significance (10); Likely benign (2). 2 of the submissions do not count toward it. Last evaluated 2025-12-29.

Conditions:
GPIHBP1-related disorder. Also called: GPIHBP1-related condition.
Cardiovascular phenotype. Identifiers: MedGen CN230736.
Hyperlipoproteinemia, type 1D. Also called: Hyperlipoproteinemia, type ID. Identifiers: Orphanet 444490, Orphanet 535458, MedGen C4014767, MONDO:0014412, OMIM 615947.

Allele frequency attached by ClinVar (database versions not stated): ESP Exome Variant Server 0.00208; 1000 Genomes Project 30x 0.00250; TOPMed 0.00211; 1000 Genomes Project 0.00220.
gnomAD v4.1: 1,178 of 1,609,790 alleles (0.073%); highest among the groups gnomAD compares: African/African-American, 0.54%; 5 homozygotes.

Submissions (15):

Labcorp Genetics (formerly Invitae), Labcorp
Classification: Likely benign. Last evaluated: 2025-12-29. Review status: criteria provided, single submitter. Criteria: Invitae Variant Classification Sherloc (09022015). Collection method: clinical testing. Allele origin: germline.

Molecular Diagnostic Laboratory for Inherited Cardiovascular Disease, Montreal Heart Institute
Classification: Uncertain significance for Cardiovascular phenotype. Last evaluated: 2025-04-09. Review status: criteria provided, single submitter. Criteria: ACMG Guidelines, 2015. Collection method: clinical testing. Allele origin: germline. Affected: yes.
Comment: PS3_supp, PP3, BS1

Blueprint Genetics
Classification: Uncertain significance. Last evaluated: 2024-11-08. Review status: criteria provided, single submitter. Criteria: ACMG Guidelines, 2015. Collection method: clinical testing. Allele origin: germline.

Genomic Medicine Center of Excellence, King Faisal Specialist Hospital and Research Centre
Classification: Uncertain significance for Hyperlipoproteinemia, type 1D. Last evaluated: 2024-03-29. Review status: criteria provided, single submitter. Criteria: ACMG Guidelines, 2015. Collection method: clinical testing. Allele origin: germline.

Mayo Clinic Laboratories, Mayo Clinic
Classification: Uncertain significance. Last evaluated: 2023-05-31. Review status: criteria provided, single submitter. Criteria: ACMG Guidelines, 2015. Collection method: clinical testing. Allele origin: germline. Observed: 1 variant allele.
Comment: PM3_supporting, PS3_supporting

New York Genome Center
Classification: Uncertain significance for Hyperlipoproteinemia, type 1D. Last evaluated: 2023-01-09. Review status: criteria provided, single submitter. Criteria: NYGC Assertion Criteria 2020. Collection method: clinical testing. Allele origin: germline. Observed: 2 heterozygotes. Clinical features observed: Hyperlipidemia (HP:0003077), Type 2 diabetes mellitus (HP:0005978), Diabetes mellitus (HP:0000819).

Ambry Genetics
Classification: Likely benign for Cardiovascular phenotype. Last evaluated: 2022-12-06. Review status: criteria provided, single submitter. Criteria: Ambry Variant Classification Scheme 2023. Collection method: clinical testing. Allele origin: germline.

PreventionGenetics, part of Exact Sciences
Classification: Uncertain significance for GPIHBP1-related condition. Last evaluated: 2022-11-14. Review status: criteria provided, single submitter. Criteria: ACMG Guidelines, 2015. Collection method: clinical testing. Allele origin: germline.
Comment: The GPIHBP1 c.523G>C variant is predicted to result in the amino acid substitution p.Gly175Arg. This variant has been reported in the heterozygous and homozygous states in individuals with pancreatitis, diabetes and hyperchylomicronemia (Charrière et al. 2011. PubMed ID: 21816778; Laurijssen et al. 2022. PubMed ID: 35770288). This variant has also been reported in the heterozygous state in individuals with hypertriglyceridemia, hyperlipidemia and Hyperlipoproteinemia (Chyzhyk et al. 2019. PubMed ID: 30352774; Gill et al. 2020. PubMed ID: 33303402, Table S2; Mor-Shaked et al. 2020. PubMed ID: 33223529). Functional studies showed this variant resulted in reducing the expression of GPIHBP1 at the cell surface; however, the significance of this finding is unclear (Charrière et al. 2011. PubMed ID: 21816778). In ClinVar, this variant has conflicting interpretations of likely benign, uncertain significance, likely pathogenic and pathogenic. This variant is reported in 0.55% of alleles in individuals of African descent in gnomAD. Although we suspect that this variant may be pathogenic, at this time, the clinical significance of this variant is uncertain due to the absence of conclusive functional and genetic evidence.

Department of Pathology and Laboratory Medicine, Sinai Health System
Classification: Uncertain significance for Hyperlipoproteinemia, type 1D. Last evaluated: 2022-10-14. Review status: criteria provided, single submitter. Criteria: ACMG Guidelines, 2015. Collection method: research. Allele origin: germline.

GeneDx
Classification: Uncertain significance. Last evaluated: 2022-05-09. Review status: criteria provided, single submitter. Criteria: GeneDx Variant Classification Process June 2021. Collection method: clinical testing. Allele origin: germline. Affected: yes.
Comment: In-silico analysis is inconclusive as to whether the variant alters gene splicing. In the absence of RNA/functional studies, the actual effect of this sequence change is unknown.; This variant is associated with the following publications: (PMID: 34426522, 31589614, 33303402, 21816778, 31785789)

Dubai Health Genomic Medicine Center, Dubai Health
Classification: Uncertain significance for Hyperlipoproteinemia, type 1D. Last evaluated: 2020-01-02. Review status: criteria provided, single submitter. Criteria: ACMG Guidelines, 2015. Collection method: clinical testing. Allele origin: germline. Affected: yes.

Hadassah Hebrew University Medical Center
Classification: Likely pathogenic for Hyperlipoproteinemia, type ID. Last evaluated: 2019-06-20. Review status: criteria provided, single submitter. Criteria: ACMG Guidelines, 2015. Collection method: clinical testing. Allele origin: germline. Affected: yes.

Institute of Human Genetics, University of Leipzig Medical Center
Classification: Uncertain significance for Hyperlipoproteinemia, type 1D. Last evaluated: 2019-01-01. Review status: criteria provided, single submitter. Criteria: ACMG Guidelines, 2015. Collection method: clinical testing. Allele origin: unknown. Affected: yes.

Reproductive Health Research and Development, BGI Genomics
Classification: Likely pathogenic for Hyperlipoproteinemia, type ID. Last evaluated: 2020-01-06. Review status: no assertion criteria provided. Collection method: curation. Allele origin: germline. Not counted in ClinVar's aggregate classification.
Comment: NM_178172.3:c.523G>C in the GPIHBP1 gene has an allele frequency of 0.005 in African subpopulation in the gnomAD database. The GPIHBP1 c.523G>C (p.Gly175Arg) variant has been detected one individual affected with hyperchylomicronemia in homozygous state (PMID: 21816778). Functional study revealed that G175R variant reduced the expression of GPIHBP1 at the cell surface of CHOpgsA-745 cells (PMID: 21816778). Taken together, we interprete this variant as Pathogenic/Likely pathogenic. ACMG/AMP Criteria applied: PM3; PS3; PP4.

OMIM
Classification: Pathogenic for HYPERLIPOPROTEINEMIA, TYPE ID. Last evaluated: 2011-10-01. Review status: no assertion criteria provided. Collection method: literature only. Allele origin: germline. Not counted in ClinVar's aggregate classification.

Literature cited by the submitters: PubMed 21816778 (cited by 3 submitters); PubMed 27185325 (cited by Mayo Clinic Laboratories, Mayo Clinic); PubMed 30352774 (cited by Mayo Clinic Laboratories, Mayo Clinic and Ambry Genetics); PubMed 31589614 (cited by Mayo Clinic Laboratories, Mayo Clinic); PubMed 31785789 (cited by Mayo Clinic Laboratories, Mayo Clinic); PubMed 33303402 (cited by Mayo Clinic Laboratories, Mayo Clinic); PubMed 35770288 (cited by Mayo Clinic Laboratories, Mayo Clinic); PubMed 36978188 (cited by Mayo Clinic Laboratories, Mayo Clinic); PubMed 33223529 (cited by Hadassah Hebrew University Medical Center); Hamosh, A. Personal Communication. 2014. Baltimore, Md. (cited by OMIM).

NM_178172.6(GPIHBP1):c.523G>C (p.Gly175Arg)

Gene: GPIHBP1 (glycosylphosphatidylinositol anchored high density lipoprotein binding protein 1; plus strand). Cytogenetic location: 8q24.3.
Variant type: single nucleotide variant.
Coding change: c.523G>C on transcript NM_178172.6 (MANE Select); coding-DNA position 523, G replaced by C.
Protein change: p.Gly175Arg; replaces glycine 175 with arginine.
Molecular consequence: missense variant. On other transcripts: intron variant (1).
Genome position (GRCh38, 1-based): chr8:143,215,486, G>C. VCF-style: chr8-143215486-G-C. GRCh37 (hg19) VCF-style: chr8-144297361-G-C.
Other names: GPIHBP1, GLY175ARG (rs145844329); c.375+148G>C (NM_001301772.2); short protein forms G175R.
Identifiers: ClinVar variation 144016 (VCV000144016.28), dbSNP rs145844329, ClinGen allele CA215028.
Genomic context (GRCh38, chr8:143,215,486, plus strand): 5'-GGCGGCCCCCGGGGCAGCTCCGAAACTGTGGGCGCAGCCCTCCTGCTCAACCTCCTTGCC[G>C]GCCTTGGAGCAATGGGGGCCAGGAGACCCTGACCCACGGCCCCTCCCCACCCCCACCCGG-3'
Protein context (NP_835466.2, residues 165-184): GAALLLNLLA[Gly175Arg]LGAMGARRP